The following continues an entry in ClinVar:

NM_033380.3(COL4A5):c.5048G>A (p.Arg1683Gln)

Gene: COL4A5. ClinVar aggregate classification (germline): Pathogenic/Likely pathogenic. Pathogenic (12); Likely pathogenic (2).

Submissions 10 to 19 of 19:

Women's Health and Genetics/Laboratory Corporation of America, LabCorp
Classification: Pathogenic for X-linked Alport syndrome. Last evaluated: 2022-02-18. Review status: criteria provided, single submitter. Criteria: LabCorp Variant Classification Summary - May 2015. Collection method: clinical testing. Allele origin: germline.
Comment: Variant summary: COL4A5 c.5030G>A (p.Arg1677Gln) results in a conservative amino acid change located in the Collagen IV, non-collagenous domain of the encoded protein sequence. Four of five in-silico tools predict a damaging effect of the variant on protein function. The variant allele was found at a frequency of 2.2e-05 in 183310 control chromosomes. c.5030G>A has been reported in the literature in multiple individuals affected with Alport Syndrome 1, X-Linked Recessive or Nephrosclerosis/deafness (e.g. Bekheirnia_2010, Ottlewski_2019). These data indicate that the variant is very likely to be associated with disease. Eight clinical diagnostic laboratories have submitted clinical-significance assessments for this variant to ClinVar after 2014 without evidence for independent evaluation. All laboratories classified the variant as pathogenic/likely pathogenic. Based on the evidence outlined above, the variant was classified as pathogenic.

MGZ Medical Genetics Center
Classification: Likely pathogenic for X-linked Alport syndrome. Last evaluated: 2021-10-20. Review status: criteria provided, single submitter. Criteria: ACMG Guidelines, 2015. Collection method: clinical testing. Allele origin: germline. Affected: yes. Observed: 1 variant allele.
Comment: ACMG criteria applied: PS4_MOD, PM1, PM5, PS3_SUP, PM2_SUP, PP3, PP4

Institute of Human Genetics, University of Leipzig Medical Center
Classification: Pathogenic for X-linked Alport syndrome. Last evaluated: 2019-01-01. Review status: criteria provided, single submitter. Criteria: ACMG Guidelines, 2015. Collection method: clinical testing. Allele origin: unknown. Affected: yes.

Athena Diagnostics
Classification: Likely pathogenic. Last evaluated: 2018-12-11. Review status: criteria provided, single submitter. Criteria: Athena Diagnostics Criteria. Collection method: clinical testing. Allele origin: germline.
Comment: Found in at least one symptomatic patient. Predicted to have a damaging effect on the protein. One other pathogenic or likely pathogenic variant affects the same amino acid. Damaging to protein function(s) relevant to disease mechanism.

Gharavi Laboratory, Columbia University
Classification: Pathogenic. Last evaluated: 2018-09-16. Review status: criteria provided, single submitter. Criteria: ACMG Guidelines, 2015. Collection method: research. Allele origin: germline. Affected: yes.

PreventionGenetics, part of Exact Sciences
Classification: Pathogenic for COL4A5-related condition. Last evaluated: 2024-02-09. Review status: no assertion criteria provided. Collection method: clinical testing. Allele origin: germline. Not counted in ClinVar's aggregate classification.
Comment: The COL4A5 c.5030G>A variant is predicted to result in the amino acid substitution p.Arg1677Gln. This variant was reported in three independent Ashkenazi-American families with features of COL4A5-related disorders (Barker et al. 1997. PubMed ID: 9150741; Pont-Kingdon et al. 2009. PubMed ID: 19919694). This variant is reported in 0.040% of alleles in individuals of Ashkenazi Jewish descent in gnomAD. This variant is interpreted as pathogenic.

Bioscientia Institut fuer Medizinische Diagnostik GmbH, Sonic Healthcare
Classification: Pathogenic for X-linked Alport syndrome. Last evaluated: 2019-02-13. Review status: no assertion criteria provided. Collection method: clinical testing. Allele origin: germline. Affected: yes. Not counted in ClinVar's aggregate classification.

Sydney Genome Diagnostics, Children's Hospital Westmead
Classification: Pathogenic for Hematuria. Last evaluated: 2018-05-30. Review status: no assertion criteria provided. Collection method: clinical testing. Allele origin: unknown. Affected: yes. Observed: 1 variant allele, 1 heterozygote. Not counted in ClinVar's aggregate classification.
Comment: This variant (dbSNP: rs104886308), located in the C terminal domain of COL4A5, has been previously reported in numerous patients with adult-onset X-linked Alport syndrome in the literature (Barker et al 1997 Hum Genet 99:681-684; Pont-Kingdon et al 2009 BMC Nephrol 10:38; Bekheirnia et al 2010 J Am Soc Nephrol 21:876-883).

OMIM
Classification: Pathogenic for ALPORT SYNDROME 1, X-LINKED. Last evaluated: 2003-06-01. Review status: no assertion criteria provided. Collection method: literature only. Allele origin: germline. Not counted in ClinVar's aggregate classification.

GeneReviews
No classification provided. Condition: X-linked Alport syndrome. Review status: no classification provided. Collection method: literature only. Allele origin: unknown. Not counted in ClinVar's aggregate classification.

Literature cited by the submitters: PubMed 39430195 (cited by Natera, Inc.); PubMed 35020912 (cited by Natera, Inc.); PubMed 35643372 (cited by Natera, Inc. and Mayo Clinic Laboratories, Mayo Clinic); PubMed 34693267 (cited by Natera, Inc. and Mayo Clinic Laboratories, Mayo Clinic); PubMed 9150741 (cited by 8 submitters); PubMed 24046192 (cited by Victorian Clinical Genetics Services, Murdoch Childrens Research Institute); PubMed 11223851 (cited by 3 submitters); PubMed 29526710 (cited by Victorian Clinical Genetics Services, Murdoch Childrens Research Institute and Athena Diagnostics); PubMed 12028435 (cited by Victorian Clinical Genetics Services, Murdoch Childrens Research Institute); PubMed 14514738 (cited by Victorian Clinical Genetics Services, Murdoch Childrens Research Institute); PubMed 19965530 (cited by Victorian Clinical Genetics Services, Murdoch Childrens Research Institute); PubMed 19919694 (cited by 4 submitters); PubMed 20378821 (cited by 4 submitters); PubMed 18083113 (cited by 3 submitters); PubMed 29204651 (cited by New York Genome Center and Mayo Clinic Laboratories, Mayo Clinic); PubMed 30586318 (cited by New York Genome Center and Mayo Clinic Laboratories, Mayo Clinic); PubMed 31027891 (cited by Mayo Clinic Laboratories, Mayo Clinic and Women's Health and Genetics/Laboratory Corporation of America, LabCorp); PubMed 20130921 (cited by Athena Diagnostics); PubMed 14604828 (cited by Athena Diagnostics); PubMed 21848006 (cited by Athena Diagnostics); PubMed 27627812 (cited by Athena Diagnostics); PubMed 29144512 (cited by Athena Diagnostics); PubMed 12796257 (cited by OMIM); PubMed 20301386 (cited by GeneReviews); NCBI Bookshelf NBK1207 (cited by GeneReviews).